The following is an entry in ClinVar:

NM_144701.3(IL23R):c.829G>A (p.Val277Met)

Gene: IL23R (interleukin 23 receptor; plus strand). Cytogenetic location: 1p31.3.
Variant type: single nucleotide variant.
Coding change: c.829G>A on transcript NM_144701.3 (MANE Select); coding-DNA position 829, G replaced by A.
Protein change: p.Val277Met; replaces valine 277 with methionine.
Molecular consequence: missense variant.
Genome position (GRCh38, 1-based): chr1:67,219,604, G>A. VCF-style: chr1-67219604-G-A. GRCh37 (hg19) VCF-style: chr1-67685287-G-A.
Other names: c.829G>A (NM_144701.2); short protein forms V277M.
Identifiers: ClinVar variation 2180648 (VCV002180648.5), dbSNP rs762813338, ClinGen allele CA899857.

ClinVar aggregate classification (germline): Uncertain significance. Review status: criteria provided, multiple submitters, no conflicts (2 of 4 stars). 2 submissions from 2 submitters: Uncertain significance (2). Last evaluated 2025-12-15.

Allele frequency attached by ClinVar (database versions not stated): gnomAD 0.00001; ExAC 0.00002; gnomAD exomes 0.00002; TOPMed 0.00002.

Submissions (2):

Labcorp Genetics (formerly Invitae), Labcorp
Classification: Uncertain significance. Last evaluated: 2025-12-15. Review status: criteria provided, single submitter. Criteria: Invitae Variant Classification Sherloc (09022015). Collection method: clinical testing. Allele origin: germline.
Comment: This sequence change replaces valine, which is neutral and non-polar, with methionine, which is neutral and non-polar, at codon 277 of the IL23R protein (p.Val277Met). This variant is present in population databases (rs762813338, gnomAD 0.003%). This variant has not been reported in the literature in individuals affected with IL23R-related conditions. ClinVar contains an entry for this variant (Variation ID: 2180648). An algorithm developed to predict the effect of missense changes on protein structure and function outputs the following: PolyPhen-2: "Benign". The methionine amino acid residue is found in multiple mammalian species, which suggests that this missense change does not adversely affect protein function. In summary, the available evidence is currently insufficient to determine the role of this variant in disease. Therefore, it has been classified as a Variant of Uncertain Significance.

Ambry Genetics
Classification: Uncertain significance. Last evaluated: 2022-04-06. Review status: criteria provided, single submitter. Criteria: Ambry Variant Classification Scheme 2023. Collection method: clinical testing. Allele origin: germline.